The following is an entry in ClinVar:

NM_002972.4(SBF1):c.502A>G (p.Ile168Val)

Gene: SBF1 (SET binding factor 1; minus strand). Cytogenetic location: 22q13.33.
Variant type: single nucleotide variant.
Coding change: c.502A>G on transcript NM_002972.4 (MANE Select); coding-DNA position 502, A replaced by G.
Protein change: p.Ile168Val; replaces isoleucine 168 with valine.
Molecular consequence: missense variant.
Genome position (GRCh38, 1-based): chr22:50,467,385, T>C on the plus strand (A>G on the coding strand, the complement: SBF1 is on the minus strand). VCF-style: chr22-50467385-T-C. GRCh37 (hg19) VCF-style: chr22-50905814-T-C.
Other names: c.502A>G (NM_002972.2); c.505A>G, p.Ile169Val (NM_001365819.1, NM_001410794.1); c.502A>G, p.Ile168Val (NM_001410795.1, NM_197971.1); short protein forms I168V, I169V.
Identifiers: ClinVar variation 2163230 (VCV002163230.5), dbSNP rs763695196, ClinGen allele CA10318054.

ClinVar aggregate classification (germline): Conflicting classifications of pathogenicity. Review status: criteria provided, conflicting classifications (1 of 4 stars). 2 submissions from 2 submitters: Uncertain significance (1); Likely benign (1). Last evaluated 2024-03-25.

Allele frequency attached by ClinVar (database versions not stated): ExAC 0.00001; gnomAD exomes 0.00001; gnomAD 0.00004; TOPMed 0.00007.
gnomAD v4.1: 13 of 1,613,956 alleles (0.00081%); highest among the groups gnomAD compares: Admixed American, 0.013%; no homozygotes.

Submissions (2):

Ambry Genetics
Classification: Likely benign. Last evaluated: 2024-03-25. Review status: criteria provided, single submitter. Criteria: Ambry Variant Classification Scheme 2023. Collection method: clinical testing. Allele origin: germline.

Labcorp Genetics (formerly Invitae), Labcorp
Classification: Uncertain significance. Last evaluated: 2023-08-17. Review status: criteria provided, single submitter. Criteria: Invitae Variant Classification Sherloc (09022015). Collection method: clinical testing. Allele origin: germline.
Comment: This sequence change replaces isoleucine, which is neutral and non-polar, with valine, which is neutral and non-polar, at codon 168 of the SBF1 protein (p.Ile168Val). This variant is present in population databases (rs763695196, gnomAD 0.006%). This variant has not been reported in the literature in individuals affected with SBF1-related conditions. ClinVar contains an entry for this variant (Variation ID: 2163230). Advanced modeling of protein sequence and biophysical properties (such as structural, functional, and spatial information, amino acid conservation, physicochemical variation, residue mobility, and thermodynamic stability) performed at Invitae indicates that this missense variant is not expected to disrupt SBF1 protein function. In summary, the available evidence is currently insufficient to determine the role of this variant in disease. Therefore, it has been classified as a Variant of Uncertain Significance.